The following is an entry in ClinVar:

NM_130837.3(OPA1):c.1999A>G (p.Thr667Ala)

Gene: OPA1 (OPA1 mitochondrial dynamin like GTPase; plus strand). Cytogenetic location: 3q29.
Variant type: single nucleotide variant.
Coding change: c.1999A>G on transcript NM_130837.3 (MANE Select); coding-DNA position 1999, A replaced by G.
Protein change: p.Thr667Ala; replaces threonine 667 with alanine.
Molecular consequence: missense variant.
Genome position (GRCh38, 1-based): chr3:193,648,858, A>G. VCF-style: chr3-193648858-A-G. GRCh37 (hg19) VCF-style: chr3-193366647-A-G.
Other names: c.1465A>G, p.Thr489Ala (NM_001354663.2); c.1462A>G, p.Thr488Ala (NM_001354664.2); c.1834A>G, p.Thr612Ala (NM_015560.3); c.1726A>G, p.Thr576Ala (NM_130831.3); c.1780A>G, p.Thr594Ala (NM_130832.3); c.1837A>G, p.Thr613Ala (NM_130833.3); c.1888A>G, p.Thr630Ala (NM_130834.3); c.1891A>G, p.Thr631Ala (NM_130835.3); and 1 more; short protein forms T488A, T489A, T576A, T594A, T612A, T613A, T630A, T631A.
Identifiers: ClinVar variation 3031828 (VCV003031828.2), dbSNP rs2474943215, ClinGen allele CA355790916.

ClinVar aggregate classification (germline): Uncertain significance (0 of 4 stars; one submission).

Conditions:
OPA1-related disorder. Also called: OPA1-related condition; OPA1-related disorders.

Submission:

PreventionGenetics, part of Exact Sciences
Classification: Uncertain significance for OPA1-related condition. Last evaluated: 2024-04-23. Review status: no assertion criteria provided. Collection method: clinical testing. Allele origin: germline.
Comment: The OPA1 c.1999A>G variant is predicted to result in the amino acid substitution p.Thr667Ala. To our knowledge, this variant has not been reported in the literature or in a large population database, indicating this variant is rare. At this time, the clinical significance of this variant is uncertain due to the absence of conclusive functional and genetic evidence.